The following is an entry in ClinVar:

ClinVar aggregate classification (germline): Uncertain significance (1 of 4 stars; one submission).

Conditions:
Glycine encephalopathy. Also called: Nonketotic hyperglycinemia; Non-ketotic hyperglycinemia. Identifiers: Orphanet 407, MedGen C0751748, MONDO:0011612, HP:0008288.

Submission:

Labcorp Genetics (formerly Invitae), Labcorp
Classification: Uncertain significance for Glycine encephalopathy. Last evaluated: 2023-12-21. Review status: criteria provided, single submitter. Criteria: Invitae Variant Classification Sherloc (09022015). Collection method: clinical testing. Allele origin: germline.
Comment: This sequence change falls in intron 21 of the GLDC gene. It does not directly change the encoded amino acid sequence of the GLDC protein. This variant is not present in population databases (gnomAD no frequency). This variant has not been reported in the literature in individuals affected with GLDC-related conditions. Algorithms developed to predict the effect of sequence changes on RNA splicing suggest that this variant may create or strengthen a splice site. In summary, the available evidence is currently insufficient to determine the role of this variant in disease. Therefore, it has been classified as a Variant of Uncertain Significance.

NM_000170.3(GLDC):c.2570-14A>G

Gene: GLDC (glycine decarboxylase; minus strand). Cytogenetic location: 9p24.1.
Variant type: single nucleotide variant.
Coding change: c.2570-14A>G on transcript NM_000170.3 (MANE Select); 14 bases into the intron before coding-DNA position 2570, A replaced by G.
Molecular consequence: intron variant.
Genome position (GRCh38, 1-based): chr9:6,540,160, T>C on the plus strand (A>G on the coding strand, the complement: GLDC is on the minus strand). VCF-style: chr9-6540160-T-C. GRCh37 (hg19) VCF-style: chr9-6540160-T-C.
Identifiers: ClinVar variation 2722490 (VCV002722490.3), dbSNP rs1817225238, ClinGen allele CA1830480043.